The following is an entry in ClinVar:

ClinVar aggregate classification (germline): Uncertain significance (1 of 4 stars; one submission).

Allele frequency attached by ClinVar (database versions not stated): gnomAD exomes 0.00001; gnomAD 0.00002; TOPMed 0.00002.
gnomAD v4.1: 17 of 1,609,244 alleles (0.0011%); highest among the groups gnomAD compares: Middle Eastern, 0.016%; no homozygotes.

Submission:

Labcorp Genetics (formerly Invitae), Labcorp
Classification: Uncertain significance. Last evaluated: 2023-12-01. Review status: criteria provided, single submitter. Criteria: Invitae Variant Classification Sherloc (09022015). Collection method: clinical testing. Allele origin: germline.
Comment: This sequence change replaces proline, which is neutral and non-polar, with leucine, which is neutral and non-polar, at codon 185 of the TNNT3 protein (p.Pro185Leu). This variant is present in population databases (no rsID available, gnomAD 0.0008%). This variant has not been reported in the literature in individuals affected with TNNT3-related conditions. An algorithm developed to predict the effect of missense changes on protein structure and function (PolyPhen-2) suggests that this variant is likely to be tolerated. In summary, the available evidence is currently insufficient to determine the role of this variant in disease. Therefore, it has been classified as a Variant of Uncertain Significance.

NM_006757.4(TNNT3):c.554C>T (p.Pro185Leu)

Gene: TNNT3 (troponin T3, fast skeletal type; plus strand). Cytogenetic location: 11p15.5.
Variant type: single nucleotide variant.
Coding change: c.554C>T on transcript NM_006757.4 (MANE Select); coding-DNA position 554, C replaced by T.
Protein change: p.Pro185Leu; replaces proline 185 with leucine.
Molecular consequence: missense variant.
Genome position (GRCh38, 1-based): chr11:1,934,619, C>T. VCF-style: chr11-1934619-C-T. GRCh37 (hg19) VCF-style: chr11-1955849-C-T.
Other names: c.530C>T, p.Pro177Leu (NM_001042780.3, NM_001042782.3, NM_001297646.2 and 2 more transcripts); c.548C>T, p.Pro183Leu (NM_001042781.3, NM_001367842.1, NM_001367843.1); c.563C>T, p.Pro188Leu (NM_001363561.2, NM_001367847.1); c.587C>T, p.Pro196Leu (NM_001367846.1); c.551C>T, p.Pro184Leu (NM_001367848.1); c.542C>T, p.Pro181Leu (NM_001367849.1); c.497C>T, p.Pro166Leu (NM_001367850.1); c.350C>T, p.Pro117Leu (NM_001367851.1, NM_001367852.1); short protein forms P166L, P183L, P117L, P184L, P185L, P188L, P177L, P181L.
Identifiers: ClinVar variation 2979039 (VCV002979039.3), dbSNP rs1179208074, ClinGen allele CA379098713.